The following is an entry in ClinVar:

NM_014159.7(SETD2):c.1_15del (p.Met1_Gln5del)

Genes: SETD2 (SET domain containing 2, histone lysine methyltransferase; minus strand), LOC129936665 (ATAC-STARR-seq lymphoblastoid silent region 14306; plus strand). Cytogenetic location: 3p21.31.
Variant type: Deletion.
Coding change: c.1_15del on transcript NM_014159.7 (MANE Select); coding-DNA positions 1 to 15, 15 bases deleted (ATGAAGCAGCTGCAG).
Protein change: p.Met1_Gln5del.
Molecular consequence: inframe deletion, initiator codon variant. On other transcripts: 5 prime UTR variant (1), non-coding transcript variant (1).
Genome position (GRCh38, 1-based): chr3:47,163,910-47,163,924, CTGCAGCTGCTTCAT deleted on the plus strand (ATGAAGCAGCTGCAG on the coding strand, the reverse complement: SETD2 is on the minus strand); deleting any 15 consecutive bases within chr3:47,163,910-47,163,925 gives the same sequence; the c. name uses the placement nearest the transcript's 3' end. VCF-style (leftmost placement, unchanged base first): chr3-47163909-GCTGCAGCTGCTTCAT-G. GRCh37 (hg19) VCF-style: chr3-47205399-GCTGCAGCTGCTTCAT-G.
Other names: c.-116_-102del (NM_001349370.3).
Identifiers: ClinVar variation 3389493 (VCV003389493.14).
Genomic context (GRCh38, chr3:47,163,909, plus strand): 5'-CTTACTCAGGGGTCGGGTGCTCCGGGTCGTAGAAATCCCCCATCTTCGGAGGCGGCTGCG[GCTGCAGCTGCTTCAT>G]CGGGAGCGGCTGGAGACGGCGACGCGAGCCCCCTCCCCGCAGCAGGGCGACGCGGGGGAG-3'

ClinVar aggregate classification (germline): Uncertain significance (1 of 4 stars; one submission).

Submission:

CeGaT Center for Human Genetics Tuebingen
Classification: Uncertain significance. Last evaluated: 2024-09-01. Review status: criteria provided, single submitter. Criteria: CeGaT Center For Human Genetics Tuebingen Variant Classification Criteria Version 2. Collection method: clinical testing. Allele origin: germline. Affected: yes. Observed: 1 variant allele.
Comment: SETD2: PM2, PVS1:Supporting